The following is an entry in ClinVar:

NM_020937.4(FANCM):c.6142A>G (p.Ile2048Val)

Gene: FANCM (FA complementation group M; plus strand). Cytogenetic location: 14q21.2.
Variant type: single nucleotide variant.
Coding change: c.6142A>G on transcript NM_020937.4 (MANE Select); coding-DNA position 6142, A replaced by G.
Protein change: p.Ile2048Val; replaces isoleucine 2048 with valine.
Molecular consequence: missense variant.
Genome position (GRCh38, 1-based): chr14:45,200,003, A>G. VCF-style: chr14-45200003-A-G. GRCh37 (hg19) VCF-style: chr14-45669206-A-G.
Other names: c.6064A>G, p.Ile2022Val (NM_001308133.2); short protein forms I2048V, I2022V.
Identifiers: ClinVar variation 3513006 (VCV003513006.4).

ClinVar aggregate classification (germline): Uncertain significance. Review status: criteria provided, multiple submitters, no conflicts (2 of 4 stars). 2 submissions from 2 submitters: Uncertain significance (2). Last evaluated 2025-04-16.

Conditions:
Inborn genetic diseases. Identifiers: MedGen C0950123, MeSH D030342.
Fanconi anemia (FA). Also called: Fanconi's anemia. Identifiers: Orphanet 84, MedGen C0015625, MeSH D005199, MONDO:0019391.

Submissions (2):

Ambry Genetics
Classification: Uncertain significance for Inborn genetic diseases. Last evaluated: 2025-04-16. Review status: criteria provided, single submitter. Criteria: Ambry Variant Classification Scheme 2023. Collection method: clinical testing. Allele origin: germline.
Comment: The p.I2048V variant (also known as c.6142A>G), located in coding exon 23 of the FANCM gene, results from an A to G substitution at nucleotide position 6142. The isoleucine at codon 2048 is replaced by valine, an amino acid with highly similar properties. This amino acid position is conserved. In addition, this alteration is predicted to be tolerated by in silico analysis. Based on the available evidence, the clinical significance of this variant remains unclear.

Labcorp Genetics (formerly Invitae), Labcorp
Classification: Uncertain significance for Fanconi anemia. Last evaluated: 2024-05-16. Review status: criteria provided, single submitter. Criteria: Invitae Variant Classification Sherloc (09022015). Collection method: clinical testing. Allele origin: germline.
Comment: This sequence change replaces isoleucine, which is neutral and non-polar, with valine, which is neutral and non-polar, at codon 2048 of the FANCM protein (p.Ile2048Val). This variant is not present in population databases (gnomAD no frequency). This variant has not been reported in the literature in individuals affected with FANCM-related conditions. Algorithms developed to predict the effect of missense changes on protein structure and function output the following: SIFT: "Not Available"; PolyPhen-2: "Benign"; Align-GVGD: "Not Available". The valine amino acid residue is found in multiple mammalian species, which suggests that this missense change does not adversely affect protein function. In summary, the available evidence is currently insufficient to determine the role of this variant in disease. Therefore, it has been classified as a Variant of Uncertain Significance.